The following is an entry in ClinVar:

ClinVar aggregate classification (germline): Uncertain significance (1 of 4 stars; one submission).

Conditions:
Very long chain acyl-CoA dehydrogenase deficiency (ACADVLD). Also called: Very Long-Chain Acyl-Coenzyme A Dehydrogenase Deficiency; VLCAD Deficiency. Identifiers: Orphanet 26793, MedGen C3887523, MONDO:0008723, OMIM 201475.

Submission:

Wong Mito Lab, Molecular and Human Genetics, Baylor College of Medicine
Classification: Uncertain significance for Very long chain acyl-CoA dehydrogenase deficiency. Last evaluated: 2019-11-01. Review status: criteria provided, single submitter. Criteria: ACMG Guidelines, 2015. Collection method: clinical testing. Allele origin: germline.
Comment: The NM_000018.3:c.773T>G (NP_000009.1:p.Ile258Ser) [GRCH38: NC_000017.11:g.7222197T>G] variant in ACADVL gene is interpretated to be Uncertain Significance based on ACMG guidelines (PMID: 25741868). This variant has been reported. This variant meets the following evidence codes reported in the ACMG guidelines: PP3

NM_000018.4(ACADVL):c.773T>G (p.Ile258Ser)

Gene: ACADVL (acyl-CoA dehydrogenase very long chain; plus strand). Cytogenetic location: 17p13.1.
Variant type: single nucleotide variant.
Coding change: c.773T>G on transcript NM_000018.4 (MANE Select); coding-DNA position 773, T replaced by G.
Protein change: p.Ile258Ser; replaces isoleucine 258 with serine.
Molecular consequence: missense variant.
Genome position (GRCh38, 1-based): chr17:7,222,197, T>G. VCF-style: chr17-7222197-T-G. GRCh37 (hg19) VCF-style: chr17-7125516-T-G.
Other names: c.707T>G, p.Ile236Ser (NM_001033859.3); c.842T>G, p.Ile281Ser (NM_001270447.2); c.545T>G, p.Ile182Ser (NM_001270448.2); short protein forms I182S, I281S, I236S, I258S.
Identifiers: ClinVar variation 932754 (VCV000932754.2), dbSNP rs1197133430, ClinGen allele CA397723659.